The following is an entry in ClinVar:

NM_174936.4(PCSK9):c.670G>C (p.Asp224His)

Gene: PCSK9 (proprotein convertase subtilisin/kexin type 9; plus strand). Cytogenetic location: 1p32.3.
Variant type: single nucleotide variant.
Coding change: c.670G>C on transcript NM_174936.4 (MANE Select); coding-DNA position 670, G replaced by C.
Protein change: p.Asp224His; replaces aspartic acid 224 with histidine.
Molecular consequence: missense variant.
Genome position (GRCh38, 1-based): chr1:55,052,662, G>C. VCF-style: chr1-55052662-G-C. GRCh37 (hg19) VCF-style: chr1-55518335-G-C.
Other names: c.793G>C, p.Asp265His (NM_001407240.1); c.670G>C, p.Asp224His (NM_001407241.1, NM_001407244.1, NM_001407247.1); c.673G>C, p.Asp225His (NM_001407242.1); c.613G>C, p.Asp205His (NM_001407243.1); c.478G>C, p.Asp160His (NM_001407245.1); c.295G>C, p.Asp99His (NM_001407246.1); short protein forms D205H, D99H, D224H, D225H, D265H, D160H.
Identifiers: ClinVar variation 1755041 (VCV001755041.5), dbSNP rs1644684119, ClinGen allele CA340473784.

ClinVar aggregate classification (germline): Uncertain significance. Review status: criteria provided, multiple submitters, no conflicts (2 of 4 stars). 4 submissions from 4 submitters: Uncertain significance (4). Last evaluated 2025-05-20.

Conditions:
Hypercholesterolemia, autosomal dominant, 3 (FHCL3). Also called: Familial Hypercholesterolemia, Autosomal Dominant, 3; PCSK9-Related Familial Hypercholesterolemia, Autosomal Dominant; Familial hypercholesterolemia 3. Identifiers: MedGen C1863551, MONDO:0011369, OMIM 603776.
Cardiovascular phenotype. Identifiers: MedGen CN230736.
Familial hypercholesterolemia. Also called: Familial hypercholesterolemias; Familial hypercholesterolaemia. Identifiers: MedGen C0020445, MONDO:0005439.

Allele frequency attached by ClinVar (database versions not stated): TOPMed below 0.00001; gnomAD 0.00001.
gnomAD v4.1: 3 of 1,613,040 alleles (0.00019%); highest among the groups gnomAD compares: Non-Finnish European, 0.00025%; no homozygotes.

Submissions (4):

Color Diagnostics, LLC DBA Color Health
Classification: Uncertain significance for Familial hypercholesterolemia. Last evaluated: 2025-05-20. Review status: criteria provided, single submitter. Criteria: ACMG Guidelines, 2015. Collection method: clinical testing. Allele origin: germline.
Comment: This missense variant replaces aspartic acid with histidine at codon 224 of the PCSK9 protein. Computational prediction tool is inconclusive regarding the impact of this variant on protein structure and function. To our knowledge, functional studies have not been reported for this variant. This variant has not been reported in individuals affected with PCSK9-related disorders in the literature. This variant has not been identified in the general population by the Genome Aggregation Database (gnomAD). The available evidence is insufficient to determine the role of this variant in disease conclusively. Therefore, this variant is classified as a Variant of Uncertain Significance.

Women's Health and Genetics/Laboratory Corporation of America, LabCorp
Classification: Uncertain significance. Last evaluated: 2023-05-08. Review status: criteria provided, single submitter. Criteria: LabCorp Variant Classification Summary - May 2015. Collection method: clinical testing. Allele origin: germline.
Comment: Variant summary: PCSK9 c.670G>C (p.Asp224His) results in a non-conservative amino acid change located in the Peptidase S8/S53 domain (IPR000209) of the encoded protein sequence. Four of five in-silico tools predict a damaging effect of the variant on protein function. The variant was absent in 249552 control chromosomes. The available data on variant occurrences in the general population are insufficient to allow any conclusion about variant significance. To our knowledge, no occurrence of c.670G>C in individuals affected with Familial Hypercholesterolemia and no experimental evidence demonstrating its impact on protein function have been reported. One clinical diagnostic laboratory has submitted clinical-significance assessments for this variant to ClinVar after 2014 without evidence for independent evaluation. One laboratory classified the variant as uncertain significance. Based on the evidence outlined above, the variant was classified as uncertain significance.

All of Us Research Program, National Institutes of Health
Classification: Uncertain significance for Hypercholesterolemia, autosomal dominant, 3. Last evaluated: 2023-05-04. Review status: criteria provided, single submitter. Criteria: ACMG Guidelines, 2015. Collection method: clinical testing. Allele origin: germline. Inheritance: Autosomal dominant inheritance. Observed: 1 variant allele, 1 heterozygote.
Comment: This missense variant replaces aspartic acid with histidine at codon 224 of the PCSK9 protein. Computational prediction is inconclusive regarding the impact of this variant on protein structure and function (internally defined REVEL score threshold 0.5 < inconclusive < 0.7, PMID: 27666373). To our knowledge, functional studies have not been reported for this variant. This variant has not been reported in individuals affected with PCSK9-related disorders in the literature. This variant has not been identified in the general population by the Genome Aggregation Database (gnomAD). The available evidence is insufficient to determine the role of this variant in disease conclusively. Therefore, this variant is classified as a Variant of Uncertain Significance.

This study involves interpretation of variants in research participants for the purpose of population health screening. Participant phenotype was not available at the time of variant classification. Additional details can be found in publication PMID: 35346344, PMCID: PMC8962531

Ambry Genetics
Classification: Uncertain significance for Cardiovascular phenotype. Last evaluated: 2022-01-02. Review status: criteria provided, single submitter. Criteria: Ambry Variant Classification Scheme 2023. Collection method: clinical testing. Allele origin: germline.
Comment: The p.D224H variant (also known as c.670G>C), located in coding exon 5 of the PCSK9 gene, results from a G to C substitution at nucleotide position 670. The aspartic acid at codon 224 is replaced by histidine, an amino acid with similar properties. This amino acid position is conserved. In addition, the in silico prediction for this alteration is inconclusive. Since supporting evidence is limited at this time, the clinical significance of this alteration remains unclear.